The following is an entry in ClinVar:

NM_000466.3(PEX1):c.2932dup (p.Tyr978fs)

Genes: GATAD1 (GATA zinc finger domain containing 1; plus strand), PEX1 (peroxisomal biogenesis factor 1; minus strand). Cytogenetic location: 7q21.2.
Variant type: Duplication.
Coding change: c.2932dup on transcript NM_000466.3 (MANE Select); coding-DNA position 2932, one base duplicated (T; older notation c.2932dupT).
Protein change: p.Tyr978fs; shifts the reading frame from tyrosine 978.
Molecular consequence: frameshift variant.
Genome position (GRCh38, 1-based): chr7:92,494,391, A duplicated on the plus strand (T on the coding strand, the reverse complement: PEX1 is on the minus strand); the first of 3 consecutive A bases (chr7:92,494,391-92,494,393); duplicating any one gives the same sequence. VCF-style (leftmost placement, unchanged base first): chr7-92494390-T-TA. GRCh37 (hg19) VCF-style: chr7-92123704-T-TA.
Other names: c.2761dup, p.Tyr921fs (NM_001282677.2); c.2308dup, p.Tyr770fs (NM_001282678.2); short protein forms Y770fs, Y921fs, Y978fs.
Identifiers: ClinVar variation 1723957 (VCV001723957.4), dbSNP rs2484637066, ClinGen allele CA2580077513.

ClinVar aggregate classification (germline): Likely pathogenic. Review status: criteria provided, multiple submitters, no conflicts (2 of 4 stars). 2 submissions from 2 submitters: Likely pathogenic (2). Last evaluated 2024-06-20.

Conditions:
Peroxisome biogenesis disorder. Identifiers: Orphanet 79189, MedGen C1832200, MONDO:0019234. Disease mechanism: loss of function.
Peroxisome biogenesis disorder 1B (PBD1B). Also called: Refsum disease, infantile form; Infantile Refsum disease; Infantile form of phytanic acid storage disease; PEROXISOME BIOGENESIS DISORDER (NEONATAL ADRENOLEUKODYSTROPHY/INFANTILE REFSUM DISEASE); INFANTILE PHYTANIC ACID STORAGE DISEASE; PEROXISOME BIOGENESIS DISORDER (NALD/IRD). Identifiers: Orphanet 44, MedGen C0282527, MONDO:0011101, OMIM 601539.
Heimler syndrome 1 (HMLR1). Also called: PEROXISOME BIOGENESIS DISORDER 1C. Identifiers: Orphanet 3220, MedGen C4551980, OMIM 234580, MONDO:0024544.
Peroxisome biogenesis disorder 1A (Zellweger) (PBD1A). Also called: Peroxisome biogenesis disorder 1a; Zellweger leukodystrophy. Identifiers: MedGen C4721541, MONDO:0008953, OMIM 214100.

Submissions (2):

Fulgent Genetics
Classification: Likely pathogenic for Peroxisome biogenesis disorder 1A (Zellweger); Heimler syndrome 1; Peroxisome biogenesis disorder 1B. Last evaluated: 2024-06-20. Review status: criteria provided, single submitter. Criteria: ACMG Guidelines, 2015. Collection method: clinical testing. Allele origin: germline.

Myriad Genetics, Inc.
Classification: Likely pathogenic for Peroxisome biogenesis disorder. Last evaluated: 2022-01-15. Review status: criteria provided, single submitter. Criteria: Myriad Autosomal Dominant, Autosomal Recessive and X-Linked Classification Criteria (2023). Collection method: clinical testing. Allele origin: unknown.
Comment: NM_000466.2(PEX1):c.2932dupT(Y978Lfs*7) is expected to be pathogenic in the context of peroxisome biogenesis disorder type 1. This variant is predicted to lead to an abnormal or absent protein product due to the creation of a premature termination codon in PEX1, a gene where loss-of-function variants are known to be pathogenic. Please note: this variant was assessed in the context of healthy population screening.